The following is an entry in ClinVar:

NM_001142800.2(EYS):c.1982T>A (p.Leu661Ter)

Gene: EYS (EGF-like photoreceptor maintenance factor; minus strand). Cytogenetic location: 6q12.
Variant type: single nucleotide variant.
Coding change: c.1982T>A on transcript NM_001142800.2 (MANE Select); coding-DNA position 1982, T replaced by A.
Protein change: p.Leu661Ter; replaces leucine 661 with a stop codon.
Molecular consequence: nonsense.
Genome position (GRCh38, 1-based): chr6:65,295,904, A>T on the plus strand (T>A on the coding strand, the complement: EYS is on the minus strand). VCF-style: chr6-65295904-A-T. GRCh37 (hg19) VCF-style: chr6-66005797-A-T.
Other names: c.1982T>A, p.Leu661Ter (NM_001292009.2); short protein forms L661*.
Identifiers: ClinVar variation 865834 (VCV000865834.10), dbSNP rs1295206142, ClinGen allele CA364659378.

ClinVar aggregate classification (germline): Pathogenic. Review status: criteria provided, multiple submitters, no conflicts (2 of 4 stars). 3 submissions from 3 submitters: Pathogenic (3). Last evaluated 2024-05-23.

Conditions:
Retinitis pigmentosa 25 (RP25). Identifiers: Orphanet 791, MedGen C1864446, MONDO:0011272, OMIM 602772.
EYS-related disorder. Also called: EYS-related condition.

Allele frequency attached by ClinVar (database versions not stated): gnomAD exomes below 0.00001; TOPMed below 0.00001; gnomAD 0.00001.
gnomAD v4.1: 3 of 1,550,568 alleles (0.00019%); highest among the groups gnomAD compares: Non-Finnish European, 0.00026%; no homozygotes.

Submissions (3):

Labcorp Genetics (formerly Invitae), Labcorp
Classification: Pathogenic. Last evaluated: 2024-05-23. Review status: criteria provided, single submitter. Criteria: Invitae Variant Classification Sherloc (09022015). Collection method: clinical testing. Allele origin: germline.
Comment: This sequence change creates a premature translational stop signal (p.Leu661*) in the EYS gene. It is expected to result in an absent or disrupted protein product. Loss-of-function variants in EYS are known to be pathogenic (PMID: 18836446, 20333770). This variant is not present in population databases (gnomAD no frequency). This premature translational stop signal has been observed in individual(s) with inherited retinal dystrophy (PMID: 34662339). ClinVar contains an entry for this variant (Variation ID: 865834). For these reasons, this variant has been classified as Pathogenic.

Fulgent Genetics
Classification: Pathogenic for Retinitis pigmentosa 25. Last evaluated: 2024-05-05. Review status: criteria provided, single submitter. Criteria: ACMG Guidelines, 2015. Collection method: clinical testing. Allele origin: germline.

Blueprint Genetics
Classification: Pathogenic for EYS-related disorders. Last evaluated: 2023-06-14. Review status: criteria provided, single submitter. Criteria: ACMG Guidelines, 2015. Collection method: clinical testing. Allele origin: germline. Affected: yes. Observed: 5 variant alleles.

Literature cited by the submitters: PubMed 18836446 (cited by Labcorp Genetics (formerly Invitae), Labcorp); PubMed 20333770 (cited by Labcorp Genetics (formerly Invitae), Labcorp); PubMed 34662339 (cited by Labcorp Genetics (formerly Invitae), Labcorp).